The following is an entry in ClinVar:

NM_153766.3(KCNJ1):c.1027G>A (p.Glu343Lys)

Gene: KCNJ1 (potassium inwardly rectifying channel subfamily J member 1; minus strand). Cytogenetic location: 11q24.3.
Variant type: single nucleotide variant.
Coding change: c.1027G>A on transcript NM_153766.3 (MANE Select); coding-DNA position 1027, G replaced by A.
Protein change: p.Glu343Lys; replaces glutamic acid 343 with lysine.
Molecular consequence: missense variant.
Genome position (GRCh38, 1-based): chr11:128,839,217, C>T on the plus strand (G>A on the coding strand, the complement: KCNJ1 is on the minus strand). VCF-style: chr11-128839217-C-T. GRCh37 (hg19) VCF-style: chr11-128709112-C-T.
Other names: c.1084G>A, p.Glu362Lys (NM_000220.6); c.1027G>A, p.Glu343Lys (NM_153764.3, NM_153767.4); c.1078G>A, p.Glu360Lys (NM_153765.3); short protein forms E343K, E362K, E360K.
Identifiers: ClinVar variation 64388 (VCV000064388.2), dbSNP rs387907436, ClinGen allele CA216032.

ClinVar aggregate classification (germline): Uncertain significance (0 of 4 stars; one submission).

Allele frequency attached by ClinVar (database versions not stated): TOPMed 0.00002; gnomAD exomes below 0.00001.
gnomAD v4.1: 2 of 1,614,148 alleles (0.00012%); highest among the groups gnomAD compares: South Asian, 0.0022%; no homozygotes.

Submission:

Martin Pollak Laboratory,  Beth Israel Deaconess Medical Center
Classification: Uncertain significance. Review status: no assertion criteria provided. Collection method: not provided. Allele origin: unknown.
Comment: Lower and higher UCa2+ groups
ClinVar note: Converted during submission from unknown to Uncertain significance.